The following is an entry in ClinVar:

ClinVar aggregate classification (germline): Benign (1 of 4 stars; one submission).

Conditions:
Familial cancer of breast. Also called: BREAST CANCER, FAMILIAL; Hereditary breast cancer; hereditary breast carcinoma. Identifiers: Orphanet 227535, MedGen C0346153, MONDO:0016419, OMIM 114480. Disease mechanism: loss of function.

Submission:

Myriad Genetics, Inc.
Classification: Benign for Familial cancer of breast. Last evaluated: 2024-04-19. Review status: criteria provided, single submitter. Criteria: Myriad Autosomal Dominant, Autosomal Recessive and X-Linked Classification Criteria (2023). Collection method: clinical testing. Allele origin: unknown.
Comment: This variant is considered benign. This variant is a silent/synonymous amino acid change and it is not expected to impact splicing.

NM_000051.4(ATM):c.576T>C (p.His192=)

Gene: ATM (ATM serine/threonine kinase; plus strand). Cytogenetic location: 11q22.3.
Variant type: single nucleotide variant.
Coding change: c.576T>C on transcript NM_000051.4 (MANE Select); coding-DNA position 576, T replaced by C.
Protein change: p.His192=; no amino-acid change (histidine 192 retained).
Molecular consequence: synonymous variant.
Genome position (GRCh38, 1-based): chr11:108,244,032, T>C. VCF-style: chr11-108244032-T-C. GRCh37 (hg19) VCF-style: chr11-108114759-T-C.
Other names: c.576T>C, p.His192= (NM_001351834.2).
Identifiers: ClinVar variation 3253833 (VCV003253833.1), dbSNP rs2079702502.